The following is an entry in ClinVar:

ClinVar aggregate classification (germline): Conflicting classifications of pathogenicity. Review status: criteria provided, conflicting classifications (1 of 4 stars). 5 submissions from 5 submitters: Uncertain significance (2); Benign (1); Likely benign (1). 1 of the submissions does not count toward it. Last evaluated 2024-03-14.

Conditions:
PCNT-related disorder. Also called: PCNT-related condition.

Allele frequency attached by ClinVar (database versions not stated): gnomAD below 0.00001 and 0.00020; TOPMed 0.00002; 1000 Genomes Project 30x 0.00062; 1000 Genomes Project 0.00080.
gnomAD v4.1: 306 of 1,614,084 alleles (0.019%); highest among the groups gnomAD compares: South Asian, 0.32%; 4 homozygotes.

Submissions (5):

Labcorp Genetics (formerly Invitae), Labcorp
Classification: Benign. Last evaluated: 2024-03-14. Review status: criteria provided, single submitter. Criteria: Invitae Variant Classification Sherloc (09022015). Collection method: clinical testing. Allele origin: germline.

Blueprint Genetics
Classification: Likely benign. Last evaluated: 2024-02-08. Review status: criteria provided, single submitter. Criteria: ACMG Guidelines, 2015. Collection method: clinical testing. Allele origin: germline.

Eurofins Ntd Llc (ga)
Classification: Uncertain significance. Last evaluated: 2015-12-14. Review status: criteria provided, single submitter. Criteria: EGL Classification Definitions 2015. Collection method: clinical testing. Allele origin: germline. Observed: 1 variant allele, 1 heterozygote.

Breakthrough Genomics
Classification: Uncertain significance. Review status: criteria provided, single submitter. Criteria: ACMG Guidelines, 2015. Collection method: not provided. Allele origin: germline. Inheritance: Autosomal dominant inheritance. Affected: yes.

PreventionGenetics, part of Exact Sciences
Classification: Likely benign for PCNT-related condition. Last evaluated: 2023-08-01. Review status: no assertion criteria provided. Collection method: clinical testing. Allele origin: germline. Not counted in ClinVar's aggregate classification.
Comment: This variant is classified as likely benign based on ACMG/AMP sequence variant interpretation guidelines (Richards et al. 2015 PMID: 25741868, with internal and published modifications).

NM_006031.6(PCNT):c.2108A>T (p.Tyr703Phe)

Gene: PCNT (pericentrin; plus strand). Cytogenetic location: 21q22.3.
Variant type: single nucleotide variant.
Coding change: c.2108A>T on transcript NM_006031.6 (MANE Select); coding-DNA position 2108, A replaced by T.
Protein change: p.Tyr703Phe; replaces tyrosine 703 with phenylalanine.
Molecular consequence: missense variant.
Genome position (GRCh38, 1-based): chr21:46,357,145, A>T. VCF-style: chr21-46357145-A-T. GRCh37 (hg19) VCF-style: chr21-47777060-A-T.
Other names: c.2108A>T (NM_006031.5); c.1754A>T, p.Tyr585Phe (NM_001315529.2); short protein forms Y703F, Y585F.
Identifiers: ClinVar variation 285367 (VCV000285367.13), dbSNP rs572444748, ClinGen allele CA10078875.